The following is an entry in ClinVar:

ClinVar aggregate classification (germline): Uncertain significance (1 of 4 stars; one submission).

Conditions:
Hereditary pheochromocytoma and paraganglioma. Also called: Hereditary paragangliomas and pheochromocytomas; Hereditary Paraganglioma-Pheochromocytoma Syndromes; Hereditary pheochromocytoma-paraganglioma. Identifiers: Orphanet 29072, MedGen C4274332, MONDO:0017366.

Submission:

Labcorp Genetics (formerly Invitae), Labcorp
Classification: Uncertain significance for Hereditary pheochromocytoma and paraganglioma. Last evaluated: 2021-04-22. Review status: criteria provided, single submitter. Criteria: Invitae Variant Classification Sherloc (09022015). Collection method: clinical testing. Allele origin: germline.
Comment: This variant has not been reported in the literature in individuals with MAX-related conditions. In summary, the available evidence is currently insufficient to determine the role of this variant in disease. Therefore, it has been classified as a Variant of Uncertain Significance. Algorithms developed to predict the effect of missense changes on protein structure and function are either unavailable or do not agree on the potential impact of this missense change (SIFT: "Deleterious"; PolyPhen-2: "Benign"; Align-GVGD: "Class C0"). This variant is not present in population databases (ExAC no frequency). This sequence change replaces aspartic acid with asparagine at codon 12 of the MAX protein (p.Asp12Asn). The aspartic acid residue is highly conserved and there is a small physicochemical difference between aspartic acid and asparagine.

NM_002382.5(MAX):c.34G>A (p.Asp12Asn)

Genes: MAX (MYC associated transcriptional regulator X; minus strand), LOC130055850 (ATAC-STARR-seq lymphoblastoid silent region 5847; plus strand). Cytogenetic location: 14q23.3.
Variant type: single nucleotide variant.
Coding change: c.34G>A on transcript NM_002382.5 (MANE Select); coding-DNA position 34, G replaced by A.
Protein change: p.Asp12Asn; replaces aspartic acid 12 with asparagine.
Molecular consequence: missense variant. On other transcripts: 5 prime UTR variant (1).
Genome position (GRCh38, 1-based): chr14:65,102,306, C>T on the plus strand (G>A on the coding strand, the complement: MAX is on the minus strand). VCF-style: chr14-65102306-C-T. GRCh37 (hg19) VCF-style: chr14-65569024-C-T.
Other names: c.34G>A, p.Asp12Asn (NM_001271068.2, NM_001271069.2, NM_145112.3 and 3 more transcripts); c.-241G>A (NM_001320415.2); short protein forms D12N.
Identifiers: ClinVar variation 1347401 (VCV001347401.8), dbSNP rs2063874476, ClinGen allele CA390038931.
Genomic context (GRCh38, chr14:65,102,306, plus strand): 5'-CCCGGCCGCTGTCCCCGCCTGACAACCCGCACGGGAAGGAAGAAGCCCCAGGACTCACGT[C>T]GCTCTCCACCTCGATGTCATCGTTATCGCTCATTTCCTACGGCCCAGGGAGCGGCCACTG-3'
Protein context (NP_002373.3, residues 2-22): SDNDDIEVES[Asp12Asn]EEQPRFQSAA